The following is an entry in ClinVar:

NM_000188.3(HK1):c.1295G>C (p.Arg432Thr)

Gene: HK1 (hexokinase 1; plus strand). Cytogenetic location: 10q22.1.
Variant type: single nucleotide variant.
Coding change: c.1295G>C on transcript NM_000188.3 (MANE Select); coding-DNA position 1295, G replaced by C.
Protein change: p.Arg432Thr; replaces arginine 432 with threonine.
Molecular consequence: missense variant.
Genome position (GRCh38, 1-based): chr10:69,382,516, G>C. VCF-style: chr10-69382516-G-C. GRCh37 (hg19) VCF-style: chr10-71142272-G-C.
Other names: c.1307G>C, p.Arg436Thr (NM_001322364.2, NM_001358263.1, NM_033497.3 and 1 more transcripts); c.1400G>C, p.Arg467Thr (NM_001322365.2); c.1211G>C, p.Arg404Thr (NM_001322366.1); c.1199G>C, p.Arg400Thr (NM_001322367.1); c.1292G>C, p.Arg431Thr (NM_033496.3); c.1259G>C, p.Arg420Thr (NM_033500.2); short protein forms R467T, R436T, R400T, R431T, R432T, R404T, R420T.
Identifiers: ClinVar variation 1433949 (VCV001433949.8), dbSNP rs1839440929, ClinGen allele CA376909556.

ClinVar aggregate classification (germline): Uncertain significance (1 of 4 stars; one submission).

Allele frequency attached by ClinVar (database versions not stated): TOPMed below 0.00001.

Submission:

Labcorp Genetics (formerly Invitae), Labcorp
Classification: Uncertain significance. Last evaluated: 2022-09-27. Review status: criteria provided, single submitter. Criteria: Invitae Variant Classification Sherloc (09022015). Collection method: clinical testing. Allele origin: germline.
Comment: Advanced modeling of protein sequence and biophysical properties (such as structural, functional, and spatial information, amino acid conservation, physicochemical variation, residue mobility, and thermodynamic stability) performed at Invitae indicates that this missense variant is not expected to disrupt HK1 protein function. In summary, the available evidence is currently insufficient to determine the role of this variant in disease. Therefore, it has been classified as a Variant of Uncertain Significance. ClinVar contains an entry for this variant (Variation ID: 1433949). This variant has not been reported in the literature in individuals affected with HK1-related conditions. This variant is not present in population databases (gnomAD no frequency). This sequence change replaces arginine, which is basic and polar, with threonine, which is neutral and polar, at codon 432 of the HK1 protein (p.Arg432Thr).